The following is an entry in ClinVar:

ClinVar aggregate classification (germline): Conflicting classifications of pathogenicity. Review status: criteria provided, conflicting classifications (1 of 4 stars). 3 submissions from 3 submitters: Uncertain significance (2); Likely benign (1). Last evaluated 2025-11-11.

Conditions:
Hereditary cancer-predisposing syndrome. Also called: Tumor predisposition; Hereditary Cancer Syndrome; Neoplastic Syndromes, Hereditary; Hereditary neoplastic syndrome. Identifiers: Orphanet 140162, MedGen C0027672, MeSH D009386, MONDO:0015356.
Gorlin syndrome. Also called: Nevoid Basal Cell Carcinoma Syndrome; Basal cell nevus syndrome. Identifiers: Orphanet 377, MedGen C0004779, MONDO:0007187.

Allele frequency attached by ClinVar (database versions not stated): ExAC 0.00001; gnomAD exomes 0.00001 and 0.00002; gnomAD 0.00002; TOPMed 0.00002.
gnomAD v4.1: 29 of 1,610,922 alleles (0.0018%); highest among the groups gnomAD compares: Non-Finnish European, 0.0024%; no homozygotes.

Submissions (3):

Labcorp Genetics (formerly Invitae), Labcorp
Classification: Uncertain significance for Gorlin syndrome. Last evaluated: 2025-11-11. Review status: criteria provided, single submitter. Criteria: Invitae Variant Classification Sherloc (09022015). Collection method: clinical testing. Allele origin: germline.
Comment: This sequence change replaces valine, which is neutral and non-polar, with methionine, which is neutral and non-polar, at codon 130 of the PTCH1 protein (p.Val130Met). This variant is present in population databases (rs746339472, gnomAD 0.002%). This variant has not been reported in the literature in individuals affected with PTCH1-related conditions. ClinVar contains an entry for this variant (Variation ID: 216385). Invitae Evidence Modeling of protein sequence and biophysical properties (such as structural, functional, and spatial information, amino acid conservation, physicochemical variation, residue mobility, and thermodynamic stability) has been performed for this missense variant. However, the output from this modeling did not meet the statistical confidence thresholds required to predict the impact of this variant on PTCH1 protein function. In summary, the available evidence is currently insufficient to determine the role of this variant in disease. Therefore, it has been classified as a Variant of Uncertain Significance.

Ambry Genetics
Classification: Likely benign for Hereditary cancer-predisposing syndrome. Last evaluated: 2023-01-18. Review status: criteria provided, single submitter. Criteria: Ambry Variant Classification Scheme 2023. Collection method: clinical testing. Allele origin: germline.

Genetic Services Laboratory, University of Chicago
Classification: Uncertain significance. Last evaluated: 2021-08-16. Review status: criteria provided, single submitter. Criteria: ACMG Guidelines, 2015. Collection method: clinical testing. Allele origin: germline. Affected: no.
Comment: DNA sequence analysis of the PTCH1 gene demonstrated a sequence change, c.388G>A, in exon 2 that results in an amino acid change, p.Val130Met. This sequence change has been described in the gnomAD database with a frequency of 0.0018% in the non-Finnish European subpopulation (dbSNP rs746339472). The p.Val130Met change affects a moderately conserved amino acid residue located in a domain of the PTCH1 protein that is known to be functional. In-silico pathogenicity prediction tools (SIFT, PolyPhen2, Align GVGD, REVEL) provide contradictory results for the p.Val130Met substitution. This sequence change does not appear to have been previously described in individuals with PTCH1-related disorders. Due to insufficient evidences and the lack of functional studies, the clinical significance of the p.Val130Met change remains unknown at this time.

NM_000264.5(PTCH1):c.388G>A (p.Val130Met)

Gene: PTCH1 (patched 1; minus strand). Cytogenetic location: 9q22.32.
Variant type: single nucleotide variant.
Coding change: c.388G>A on transcript NM_000264.5 (MANE Select); coding-DNA position 388, G replaced by A.
Protein change: p.Val130Met; replaces valine 130 with methionine.
Molecular consequence: missense variant. On other transcripts: 5 prime UTR variant (4), non-coding transcript variant (1).
Genome position (GRCh38, 1-based): chr9:95,506,413, C>T on the plus strand (G>A on the coding strand, the complement: PTCH1 is on the minus strand). VCF-style: chr9-95506413-C-T. GRCh37 (hg19) VCF-style: chr9-98268695-C-T.
Other names: c.190G>A, p.Val64Met (NM_001083602.3, NM_001354919.2); c.385G>A, p.Val129Met (NM_001083603.3); c.-66G>A (NM_001083604.3, NM_001083605.3, NM_001083606.3 and 1 more transcripts); c.388G>A, p.Val130Met (NM_001354918.2); short protein forms V130M, V64M, V129M.
Identifiers: ClinVar variation 216385 (VCV000216385.20), dbSNP rs746339472, ClinGen allele CA338120.
Genomic context (GRCh38, chr9:95,506,413, plus strand): 5'-AACCGCGAGGAGGGACCGGGCCGGGGGCGCGGGCGCCGCGGCGGGCGCTCTTACCTTCCA[C>T]CCACAGCTCCTCCACGTTGGTCTCGAGGTTCGCTGCTTTTAATCCCACCGCGAAGGCCCC-3'
Protein context (NP_000255.2, residues 120-140): NLETNVEELW[Val130Met]EVGGRVSREL